The following is an entry in ClinVar:

NM_001365536.1(SCN9A):c.125A>T (p.Asp42Val)

Gene: SCN9A (sodium voltage-gated channel alpha subunit 9; minus strand). Cytogenetic location: 2q24.3.
Variant type: single nucleotide variant.
Coding change: c.125A>T on transcript NM_001365536.1 (MANE Select); coding-DNA position 125, A replaced by T.
Protein change: p.Asp42Val; replaces aspartic acid 42 with valine.
Molecular consequence: missense variant.
Genome position (GRCh38, 1-based): chr2:166,311,632, T>A on the plus strand (A>T on the coding strand, the complement: SCN9A is on the minus strand). VCF-style: chr2-166311632-T-A. GRCh37 (hg19) VCF-style: chr2-167168142-T-A.
Other names: c.125A>T, p.Asp42Val (NM_002977.4); short protein forms D42V.
Identifiers: ClinVar variation 2065371 (VCV002065371.4), dbSNP rs373650798, ClinGen allele CA1944885.

ClinVar aggregate classification (germline): Uncertain significance (1 of 4 stars; one submission).

Conditions:
Neuropathy, hereditary sensory and autonomic, type 2A (HSAN2A). Also called: HSAN IIA; MORVAN DISEASE; NEUROPATHY, CONGENITAL SENSORY; NEUROPATHY, HEREDITARY SENSORY RADICULAR, AUTOSOMAL RECESSIVE; NEUROPATHY, HEREDITARY SENSORY, TYPE IIA; NEUROPATHY, PROGRESSIVE SENSORY, OF CHILDREN. Identifiers: Orphanet 970, MedGen C2752089, MONDO:0024309, OMIM 201300.
Generalized epilepsy with febrile seizures plus, type 7 (GEFSP7). Also called: GEFS+, TYPE 7. Identifiers: Orphanet 36387, MedGen C2751778, MONDO:0013470, OMIM 613863.

Allele frequency attached by ClinVar (database versions not stated): gnomAD exomes below 0.00001; ExAC 0.00001; gnomAD 0.00001; TOPMed 0.00002; ESP Exome Variant Server 0.00016.

Submission:

Labcorp Genetics (formerly Invitae), Labcorp
Classification: Uncertain significance for Neuropathy, hereditary sensory and autonomic, type 2A; Generalized epilepsy with febrile seizures plus, type 7. Last evaluated: 2023-02-24. Review status: criteria provided, single submitter. Criteria: Invitae Variant Classification Sherloc (09022015). Collection method: clinical testing. Allele origin: germline.
Comment: ClinVar contains an entry for this variant (Variation ID: 2065371). This variant has not been reported in the literature in individuals affected with SCN9A-related conditions. This variant is present in population databases (rs373650798, gnomAD 0.007%). This sequence change replaces aspartic acid, which is acidic and polar, with valine, which is neutral and non-polar, at codon 42 of the SCN9A protein (p.Asp42Val). In summary, the available evidence is currently insufficient to determine the role of this variant in disease. Therefore, it has been classified as a Variant of Uncertain Significance. Advanced modeling of protein sequence and biophysical properties (such as structural, functional, and spatial information, amino acid conservation, physicochemical variation, residue mobility, and thermodynamic stability) has been performed at Invitae for this missense variant, however the output from this modeling did not meet the statistical confidence thresholds required to predict the impact of this variant on SCN9A protein function.